The following is an entry in ClinVar:

NM_004006.3(DMD):c.10789C>T (p.Leu3597=)

Gene: DMD (dystrophin; minus strand). Cytogenetic location: Xp21.2.
Variant type: single nucleotide variant.
Coding change: c.10789C>T on transcript NM_004006.3 (MANE Select); coding-DNA position 10789, C replaced by T.
Protein change: p.Leu3597=; no amino-acid change (leucine 3597 retained).
Molecular consequence: synonymous variant.
Genome position (GRCh38, 1-based): chrX:31,147,283, G>A on the plus strand (C>T on the coding strand, the complement: DMD is on the minus strand). VCF-style: chrX-31147283-G-A. GRCh37 (hg19) VCF-style: chrX-31165400-G-A.
Other names: p.L3597L:CTG>TTG; p.Leu3597=; c.10765C>T, p.Leu3589= (NM_000109.4); c.10777C>T, p.Leu3593= (NM_004009.3); c.10420C>T, p.Leu3474= (NM_004010.3); c.6766C>T, p.Leu2256= (NM_004011.4); c.6757C>T, p.Leu2253= (NM_004012.4); c.3409C>T, p.Leu1137= (NM_004013.3, NM_004021.3); and 5 more.
Identifiers: ClinVar variation 94446 (VCV000094446.54), dbSNP rs1800281, ClinGen allele CA285517.

ClinVar aggregate classification (germline): Benign/Likely benign. Review status: criteria provided, multiple submitters, no conflicts (2 of 4 stars). 19 submissions from 19 submitters: Benign (11); Likely benign (4). 4 of the submissions do not count toward it. Last evaluated 2026-02-04.

Conditions:
Cardiovascular phenotype. Identifiers: MedGen CN230736.
Dystrophin deficiency.
Becker muscular dystrophy (BMD). Also called: MUSCULAR DYSTROPHY, PSEUDOHYPERTROPHIC PROGRESSIVE, BECKER TYPE; Becker Muscular Dystrophy (BMD). Identifiers: Orphanet 98895, MedGen C0917713, MONDO:0010311, OMIM 300376.
Cardiomyopathy (CMYO). Also called: Cardiomyopathies. Identifiers: Orphanet 167848, MedGen C0878544, MONDO:0004994, HP:0001638. Inheritance: Various modes of inheritance.
Duchenne muscular dystrophy (DMD). Also called: Duchenne Muscular Dystrophy (DMD); MUSCULAR DYSTROPHY, PSEUDOHYPERTROPHIC PROGRESSIVE, DUCHENNE TYPE. Identifiers: Orphanet 98896, MedGen C0013264, MONDO:0010679, OMIM 310200.
Dilated cardiomyopathy 3B (CMD3B). Also called: CMD3B: DMD-Related Dilated Cardiomyopathy; CARDIOMYOPATHY, DILATED, X-LINKED; DMD-Associated Dilated Cardiomyopathy. Identifiers: Orphanet 154, MedGen C3668940, MONDO:0010542, OMIM 302045.

Allele frequency attached by ClinVar (database versions not stated): 1000 Genomes Project 0.00185; 1000 Genomes Project 30x 0.00166; ExAC 0.00472; gnomAD 0.00478 and 0.00486; gnomAD exomes 0.00476; TOPMed 0.00466; ESP Exome Variant Server 0.00502.
gnomAD v4.1: 7,874 of 1,208,653 alleles (0.65%); highest among the groups gnomAD compares: Non-Finnish European, 0.77%; 24 homozygotes.

Submissions (19):

Labcorp Genetics (formerly Invitae), Labcorp
Classification: Benign for Duchenne muscular dystrophy. Last evaluated: 2026-02-04. Review status: criteria provided, single submitter. Criteria: Invitae Variant Classification Sherloc (09022015). Collection method: clinical testing. Allele origin: germline.

Mayo Clinic Laboratories, Mayo Clinic
Classification: Benign. Last evaluated: 2025-10-29. Review status: criteria provided, single submitter. Criteria: ACMG Guidelines, 2015. Collection method: clinical testing. Allele origin: germline. Observed: 18 variant alleles.
Comment: BS1, BS2, BP4, BP7

Molecular Diagnostic Laboratory for Inherited Cardiovascular Disease, Montreal Heart Institute
Classification: Benign. Last evaluated: 2025-04-09. Review status: criteria provided, single submitter. Criteria: ACMG Guidelines, 2015. Collection method: clinical testing. Allele origin: germline. Affected: no.

ARUP Laboratories, Molecular Genetics and Genomics, ARUP Laboratories
Classification: Benign. Last evaluated: 2025-03-28. Review status: criteria provided, single submitter. Criteria: ARUP Molecular Germline Variant Investigation Process 2024. Collection method: clinical testing. Allele origin: germline.

Blueprint Genetics
Classification: Likely benign. Last evaluated: 2024-11-27. Review status: criteria provided, single submitter. Criteria: ACMG Guidelines, 2015. Collection method: clinical testing. Allele origin: germline.

Fulgent Genetics
Classification: Likely benign for Becker muscular dystrophy; Dilated cardiomyopathy 3B; Duchenne muscular dystrophy. Last evaluated: 2022-02-18. Review status: criteria provided, single submitter. Criteria: ACMG Guidelines, 2015. Collection method: clinical testing. Allele origin: unknown.

Pars Genome Lab
Classification: Benign for Duchenne muscular dystrophy. Last evaluated: 2021-05-18. Review status: criteria provided, single submitter. Criteria: ACMG Guidelines, 2015. Collection method: clinical testing. Allele origin: germline. Affected: no.

Women's Health and Genetics/Laboratory Corporation of America, LabCorp
Classification: Benign. Last evaluated: 2020-05-15. Review status: criteria provided, single submitter. Criteria: LabCorp Variant Classification Summary - May 2015. Collection method: clinical testing. Allele origin: germline.

Genetic Services Laboratory, University of Chicago
Classification: Benign. Last evaluated: 2019-08-15. Review status: criteria provided, single submitter. Criteria: ACMG Guidelines, 2015. Collection method: clinical testing. Allele origin: germline. Affected: no.

Illumina Laboratory Services, Illumina
Classification: Likely benign for Dilated cardiomyopathy 3B. Last evaluated: 2018-01-12. Review status: criteria provided, single submitter. Criteria: ICSL Variant Classification Criteria 13 December 2019. Collection method: clinical testing. Allele origin: germline.
Comment: This variant was observed in the ICSL laboratory as part of a predisposition screen in an ostensibly healthy population. It had not been previously curated by ICSL or reported in the Human Gene Mutation Database (HGMD: prior to June 1st, 2018), and was therefore a candidate for classification through an automated scoring system. Utilizing variant allele frequency, disease prevalence and penetrance estimates, and inheritance mode, an automated score was calculated to assess if this variant is too frequent to cause the disease. Based on the score and internal cut-off values, a variant classified as likely benign is not then subjected to further curation. The score for this variant resulted in a classification of likely benign for this disease.

Laboratory for Molecular Medicine, Mass General Brigham Personalized Medicine
Classification: Benign. Last evaluated: 2015-07-23. Review status: criteria provided, single submitter. Criteria: LMM Criteria. Collection method: clinical testing. Allele origin: germline. Observed: 6 variant alleles.
Comment: p.Leu3597Leu in exon 75 of DMD: This variant is not expected to have clinical si gnificance because it does not alter an amino acid residue, is not located withi n the splice consensus sequence, and has been identified in 0.7% (338/47956) of European chromosomes, including 129 hemizygotes, by the Exome Aggregation Consor tium (ExAC; dbSNP rs1800281).

Ambry Genetics
Classification: Benign for Cardiovascular phenotype. Last evaluated: 2015-06-11. Review status: criteria provided, single submitter. Criteria: Ambry Variant Classification Scheme 2023. Collection method: clinical testing. Allele origin: germline.

GeneDx
Classification: Benign. Last evaluated: 2014-04-09. Review status: criteria provided, single submitter. Criteria: GeneDx Variant Classification (06012015). Collection method: clinical testing. Allele origin: germline. Affected: yes.
Comment: This variant is considered likely benign or benign based on one or more of the following criteria: it is a conservative change, it occurs at a poorly conserved position in the protein, it is predicted to be benign by multiple in silico algorithms, and/or has population frequency not consistent with disease.

Eurofins Ntd Llc (ga)
Classification: Benign. Last evaluated: 2012-08-20. Review status: criteria provided, single submitter. Criteria: EGL Classification Definitions 2015. Collection method: clinical testing. Allele origin: germline. Observed: 4 variant alleles, 3 heterozygotes, 1 hemizygote.

Breakthrough Genomics
Classification: Likely benign. Review status: criteria provided, single submitter. Criteria: ACMG Guidelines, 2015. Collection method: not provided. Allele origin: germline. Inheritance: X-linked inheritance. Affected: yes.

Natera, Inc.
Classification: Likely benign for Becker muscular dystrophy; Cardiomyopathy; Duchenne muscular dystrophy; Dystrophin deficiency. Last evaluated: 2020-01-11. Review status: no assertion criteria provided. Collection method: clinical testing. Allele origin: germline. Not counted in ClinVar's aggregate classification.

Clinical Genetics DNA and cytogenetics Diagnostics Lab, Erasmus MC, Erasmus Medical Center
Classification: Likely benign. Review status: no assertion criteria provided. Collection method: clinical testing. Allele origin: germline. Affected: yes. Study: VKGL Data-share Consensus. Not counted in ClinVar's aggregate classification.

Diagnostic Laboratory, Department of Genetics, University Medical Center Groningen
Classification: Likely benign. Review status: no assertion criteria provided. Collection method: clinical testing. Allele origin: germline. Affected: yes. Study: VKGL Data-share Consensus. Not counted in ClinVar's aggregate classification.

Genome Diagnostics Laboratory, University Medical Center Utrecht
Classification: Likely benign. Review status: no assertion criteria provided. Collection method: clinical testing. Allele origin: germline. Affected: yes. Study: VKGL Data-share Consensus. Not counted in ClinVar's aggregate classification.